The following is an entry in ClinVar:

NM_001277115.2(DNAH11):c.3853-5C>T

Gene: DNAH11 (dynein axonemal heavy chain 11; plus strand). Cytogenetic location: 7p15.3.
Variant type: single nucleotide variant.
Coding change: c.3853-5C>T on transcript NM_001277115.2 (MANE Select); 5 bases into the intron before coding-DNA position 3853, C replaced by T.
Molecular consequence: intron variant.
Genome position (GRCh38, 1-based): chr7:21,615,109, C>T. VCF-style: chr7-21615109-C-T. GRCh37 (hg19) VCF-style: chr7-21654727-C-T.
Identifiers: ClinVar variation 2587901 (VCV002587901.2), dbSNP rs367628980, ClinGen allele CA155103925.

ClinVar aggregate classification (germline): Uncertain significance (1 of 4 stars; one submission).

Conditions:
Primary ciliary dyskinesia. Also called: Ciliary dyskinesia. Identifiers: Orphanet 244, MedGen C0008780, MONDO:0016575, HP:0012265.

gnomAD v4.1: 3 of 1,607,194 alleles (0.00019%); highest among the groups gnomAD compares: African/African-American, 0.0027%; no homozygotes.

Submission:

Ambry Genetics
Classification: Uncertain significance for Primary ciliary dyskinesia. Last evaluated: 2023-07-27. Review status: criteria provided, single submitter. Criteria: Ambry Variant Classification Scheme 2023. Collection method: clinical testing. Allele origin: germline.
Comment: The c.3853-5C>T intronic variant results from a C to T substitution 5 nucleotides upstream from coding exon 21 in the DNAH11 gene. This nucleotide position is not well conserved in available vertebrate species. In silico splice site analysis predicts that this alteration will not have any significant effect on splicing. Since supporting evidence is limited at this time, the clinical significance of this alteration remains unclear.